The following is an entry in ClinVar:

NM_003823.4(TNFRSF6B):c.824G>A (p.Arg275Gln)

Genes: RTEL1-TNFRSF6B (RTEL1-TNFRSF6B readthrough (NMD candidate); plus strand), TNFRSF6B (TNF receptor superfamily member 6b; plus strand). Cytogenetic location: 20q13.33.
Variant type: single nucleotide variant.
Coding change: c.824G>A on transcript NM_003823.4 (MANE Select); coding-DNA position 824, G replaced by A.
Protein change: p.Arg275Gln; replaces arginine 275 with glutamine.
Molecular consequence: missense variant. On other transcripts: non-coding transcript variant (1).
Genome position (GRCh38, 1-based): chr20:63,698,484, G>A. VCF-style: chr20-63698484-G-A. GRCh37 (hg19) VCF-style: chr20-62329837-G-A.
Other names: short protein forms R275Q.
Identifiers: ClinVar variation 1429877 (VCV001429877.7), dbSNP rs566823245, ClinGen allele CA9966632.
Genomic context (GRCh38, chr20:63,698,484, plus strand): 5'-TGAAGCTGCGTCGGCGGCTCACGGAGCTCCTGGGGGCGCAGGACGGGGCGCTGCTGGTGC[G>A]GCTGCTGCAGGCGCTGCGCGTGGCCAGGATGCCCGGGCTGGAGCGGAGCGTCCGTGAGCG-3'
Protein context (NP_003814.1, residues 265-285): LGAQDGALLV[Arg275Gln]LLQALRVARM

ClinVar aggregate classification (germline): Uncertain significance (1 of 4 stars; one submission).

Allele frequency attached by ClinVar (database versions not stated): 1000 Genomes Project 30x 0.00078; 1000 Genomes Project 0.00080.
gnomAD v4.1: 139 of 1,545,766 alleles (0.009%); highest among the groups gnomAD compares: South Asian, 0.11%; 2 homozygotes.

Submission:

Labcorp Genetics (formerly Invitae), Labcorp
Classification: Uncertain significance. Last evaluated: 2025-10-08. Review status: criteria provided, single submitter. Criteria: Invitae Variant Classification Sherloc (09022015). Collection method: clinical testing. Allele origin: germline.
Comment: This sequence change replaces arginine, which is basic and polar, with glutamine, which is neutral and polar, at codon 275 of the TNFRSF6B protein (p.Arg275Gln). This variant is present in population databases (rs566823245, gnomAD 0.08%), and has an allele count higher than expected for a pathogenic variant. This variant has not been reported in the literature in individuals affected with TNFRSF6B-related conditions. ClinVar contains an entry for this variant (Variation ID: 1429877). An algorithm developed to predict the effect of missense changes on protein structure and function outputs the following: PolyPhen-2: "Benign". The glutamine amino acid residue is found in multiple mammalian species, which suggests that this missense change does not adversely affect protein function. In summary, the available evidence is currently insufficient to determine the role of this variant in disease. Therefore, it has been classified as a Variant of Uncertain Significance.